The following is an entry in ClinVar:

NM_024120.5(NDUFAF5):c.222+16_222+17delinsCT

Gene: NDUFAF5 (NADH:ubiquinone oxidoreductase complex assembly factor 5; plus strand). Cytogenetic location: 20p12.1.
Variant type: Indel.
Coding change: c.222+16_222+17delinsCT on transcript NM_024120.5 (MANE Select); bases 16 to 17 of the intron after coding-DNA position 222, GG replaced by CT.
Molecular consequence: intron variant.
Genome position (GRCh38, 1-based): chr20:13,785,306-13,785,307, GG replaced by CT. VCF-style: chr20-13785306-GG-CT. GRCh37 (hg19) VCF-style: chr20-13765952-GG-CT.
Other names: c.-474+16_-474+17delinsCT (NM_001352407.2); c.-360+16_-360+17delinsCT (NM_001352406.2); c.222+16_222+17delinsCT (NM_001039375.3, NM_001352408.2); c.-146+16_-146+17delinsCT (NM_001352403.2).
Identifiers: ClinVar variation 2022441 (VCV002022441.4), dbSNP rs2516095622, ClinGen allele CA2580097886.

ClinVar aggregate classification (germline): Uncertain significance (1 of 4 stars; one submission).

Submission:

Labcorp Genetics (formerly Invitae), Labcorp
Classification: Uncertain significance. Last evaluated: 2024-04-29. Review status: criteria provided, single submitter. Criteria: Invitae Variant Classification Sherloc (09022015). Collection method: clinical testing. Allele origin: germline.
Comment: This sequence change falls in intron 1 of the NDUFAF5 gene. It does not directly change the encoded amino acid sequence of the NDUFAF5 protein. Information on the frequency of this variant in the gnomAD database is not available, as this variant may be reported differently in the database. This variant has not been reported in the literature in individuals affected with NDUFAF5-related conditions. ClinVar contains an entry for this variant (Variation ID: 2022441). Experimental studies and prediction algorithms are not available or were not evaluated, and the effect of this variant on mRNA splicing is currently unknown. In summary, the available evidence is currently insufficient to determine the role of this variant in disease. Therefore, it has been classified as a Variant of Uncertain Significance.